The following is an entry in ClinVar:

ClinVar aggregate classification (germline): Benign. Review status: criteria provided, multiple submitters, no conflicts (2 of 4 stars). 3 submissions from 3 submitters: Benign (2). 1 of the submissions does not count toward it. Last evaluated 2019-12-31.

Conditions:
PER3-related disorder. Also called: PER3-related condition.

Allele frequency attached by ClinVar (database versions not stated): gnomAD exomes 0.00301 and 0.00122; 1000 Genomes Project 30x 0.01390; TOPMed 0.01351; ExAC 0.00374; gnomAD 0.01276 and 0.01176; 1000 Genomes Project 0.01338; ESP Exome Variant Server 0.01361.
gnomAD v4.1: 3,670 of 1,614,104 alleles (0.23%); highest among the groups gnomAD compares: African/African-American, 4.2%; 74 homozygotes.

Submissions (3):

Labcorp Genetics (formerly Invitae), Labcorp
Classification: Benign. Last evaluated: 2019-12-31. Review status: criteria provided, single submitter. Criteria: Invitae Variant Classification Sherloc (09022015). Collection method: clinical testing. Allele origin: germline.

Breakthrough Genomics
Classification: Benign. Review status: criteria provided, single submitter. Criteria: ACMG Guidelines, 2015. Collection method: not provided. Allele origin: germline. Inheritance: Autosomal dominant inheritance. Affected: yes.

PreventionGenetics, part of Exact Sciences
Classification: Benign for PER3-related condition. Last evaluated: 2019-09-17. Review status: no assertion criteria provided. Collection method: clinical testing. Allele origin: germline. Not counted in ClinVar's aggregate classification.
Comment: This variant is classified as benign based on ACMG/AMP sequence variant interpretation guidelines (Richards et al. 2015 PMID: 25741868, with internal and published modifications).

NM_001377275.1(PER3):c.1842A>T (p.Ile614=)

Gene: PER3 (period circadian regulator 3; plus strand). Cytogenetic location: 1p36.23.
Variant type: single nucleotide variant.
Coding change: c.1842A>T on transcript NM_001377275.1 (MANE Select); coding-DNA position 1842, A replaced by T.
Protein change: p.Ile614=; no amino-acid change (isoleucine 614 retained).
Molecular consequence: synonymous variant.
Genome position (GRCh38, 1-based): chr1:7,820,525, A>T. VCF-style: chr1-7820525-A-T. GRCh37 (hg19) VCF-style: chr1-7880585-A-T.
Other names: c.1842A>T, p.Ile614= (NM_001289861.2, NM_001289862.2); c.1821A>T, p.Ile607= (NM_001289863.3, NM_001377276.1); c.885A>T, p.Ile295= (NM_001289864.3); c.1818A>T, p.Ile606= (NM_016831.4).
Identifiers: ClinVar variation 780747 (VCV000780747.7), dbSNP rs17031601, ClinGen allele CA568224.